The following is an entry in ClinVar:

ClinVar aggregate classification (germline): Uncertain significance (1 of 4 stars; one submission).

Submission:

GeneDx
Classification: Uncertain significance. Last evaluated: 2019-05-10. Review status: criteria provided, single submitter. Criteria: GeneDx Variant Classification Process June 2021. Collection method: clinical testing. Allele origin: germline. Affected: yes.
Comment: Has been reported in association with Marfan syndrome (Groth et al., 2017); Not observed in large population cohorts (Lek et al., 2016); Although located in a calcium-binding EGF-like domain of the FBN1 gene, it does not affect a cysteine residue within this domain; cysteine substitutions in the calcium-binding EGF-like domains represent the majority of pathogenic missense changes associated with FBN1-related disorders (Collod-Beroud et al., 2003); This variant is associated with the following publications: (PMID: 27906200)

NM_000138.5(FBN1):c.7511T>C (p.Ile2504Thr)

Gene: FBN1 (fibrillin 1; minus strand). Cytogenetic location: 15q21.1.
Variant type: single nucleotide variant.
Coding change: c.7511T>C on transcript NM_000138.5 (MANE Select); coding-DNA position 7511, T replaced by C.
Protein change: p.Ile2504Thr; replaces isoleucine 2504 with threonine.
Molecular consequence: missense variant.
Genome position (GRCh38, 1-based): chr15:48,422,011, A>G on the plus strand (T>C on the coding strand, the complement: FBN1 is on the minus strand). VCF-style: chr15-48422011-A-G. GRCh37 (hg19) VCF-style: chr15-48714208-A-G.
Other names: short protein forms I2504T.
Identifiers: ClinVar variation 1199890 (VCV001199890.3), dbSNP rs2141222485, ClinGen allele CA392325973.